The following is an entry in ClinVar:

NM_006129.5(BMP1):c.1222A>G (p.Thr408Ala)

Gene: BMP1 (bone morphogenetic protein 1; plus strand). Cytogenetic location: 8p21.3.
Variant type: single nucleotide variant.
Coding change: c.1222A>G on transcript NM_006129.5 (MANE Select); coding-DNA position 1222, A replaced by G.
Protein change: p.Thr408Ala; replaces threonine 408 with alanine.
Molecular consequence: missense variant. On other transcripts: non-coding transcript variant (2).
Genome position (GRCh38, 1-based): chr8:22,194,099, A>G. VCF-style: chr8-22194099-A-G. GRCh37 (hg19) VCF-style: chr8-22051612-A-G.
Other names: c.1222A>G, p.Thr408Ala (NM_001199.4); short protein forms T408A.
Identifiers: ClinVar variation 1960292 (VCV001960292.4), dbSNP rs367846590, ClinGen allele CA4664603.
Genomic context (GRCh38, chr8:22,194,099, plus strand): 5'-ATCCACACTGTCTGTGCAGGCCGCTTCTGCGGGTCCAAACTCCCTGAGCCTATCGTCTCC[A>G]CTGACAGCCGCCTCTGGGTTGAATTCCGCAGCAGCAGCAATTGGGTTGGAAAGGGCTTCT-3'
Protein context (NP_006120.1, residues 398-418): GSKLPEPIVS[Thr408Ala]DSRLWVEFRS

ClinVar aggregate classification (germline): Uncertain significance (1 of 4 stars; one submission).

Allele frequency attached by ClinVar (database versions not stated): ExAC 0.00001; gnomAD 0.00001; TOPMed 0.00001; gnomAD exomes 0.00002; ESP Exome Variant Server 0.00008.
gnomAD v4.1: 30 of 1,614,068 alleles (0.0019%); highest among the groups gnomAD compares: Non-Finnish European, 0.0025%; no homozygotes.

Submission:

Labcorp Genetics (formerly Invitae), Labcorp
Classification: Uncertain significance. Last evaluated: 2022-08-22. Review status: criteria provided, single submitter. Criteria: Invitae Variant Classification Sherloc (09022015). Collection method: clinical testing. Allele origin: germline.
Comment: In summary, the available evidence is currently insufficient to determine the role of this variant in disease. Therefore, it has been classified as a Variant of Uncertain Significance. Algorithms developed to predict the effect of missense changes on protein structure and function (SIFT, PolyPhen-2, Align-GVGD) all suggest that this variant is likely to be tolerated. This variant has not been reported in the literature in individuals affected with BMP1-related conditions. This variant is present in population databases (rs367846590, gnomAD 0.0009%). This sequence change replaces threonine, which is neutral and polar, with alanine, which is neutral and non-polar, at codon 408 of the BMP1 protein (p.Thr408Ala).